The following is an entry in ClinVar:

NM_001098.3(ACO2):c.1178T>C (p.Met393Thr)

Gene: ACO2 (aconitase 2; plus strand). Cytogenetic location: 22q13.2.
Variant type: single nucleotide variant.
Coding change: c.1178T>C on transcript NM_001098.3 (MANE Select); coding-DNA position 1178, T replaced by C.
Protein change: p.Met393Thr; replaces methionine 393 with threonine.
Molecular consequence: missense variant.
Genome position (GRCh38, 1-based): chr22:41,522,869, T>C. VCF-style: chr22-41522869-T-C. GRCh37 (hg19) VCF-style: chr22-41918873-T-C.
Other names: short protein forms M393T.
Identifiers: ClinVar variation 1511891 (VCV001511891.8), dbSNP rs547526146, ClinGen allele CA10257577.
Genomic context (GRCh38, chr22:41,522,869, plus strand): 5'-CCACCACCCACAATGCACCAGGTCTAATTGGTAGCTGCACCAATTCAAGCTATGAAGATA[T>C]GGGGCGCTCAGCAGCTGTGGCCAAGCAGGCACTGGCCCATGGCCTCAAGTGCAAGTCCCA-3'
Protein context (NP_001089.1, residues 383-403): GSCTNSSYED[Met393Thr]GRSAAVAKQA

ClinVar aggregate classification (germline): Uncertain significance (1 of 4 stars; one submission).

Allele frequency attached by ClinVar (database versions not stated): gnomAD exomes below 0.00001; ExAC 0.00001; gnomAD 0.00001 and 0.00002; TOPMed 0.00001; 1000 Genomes Project 30x 0.00016; 1000 Genomes Project 0.00020.
gnomAD v4.1: 4 of 1,614,212 alleles (0.00025%); highest among the groups gnomAD compares: Admixed American, 0.0017%; no homozygotes.

Submission:

Labcorp Genetics (formerly Invitae), Labcorp
Classification: Uncertain significance. Last evaluated: 2025-01-15. Review status: criteria provided, single submitter. Criteria: Invitae Variant Classification Sherloc (09022015). Collection method: clinical testing. Allele origin: germline.
Comment: This sequence change replaces methionine, which is neutral and non-polar, with threonine, which is neutral and polar, at codon 393 of the ACO2 protein (p.Met393Thr). The frequency data for this variant in the population databases is considered unreliable, as metrics indicate poor data quality at this position in the gnomAD database. This variant has not been reported in the literature in individuals affected with ACO2-related conditions. ClinVar contains an entry for this variant (Variation ID: 1511891). Invitae Evidence Modeling of protein sequence and biophysical properties (such as structural, functional, and spatial information, amino acid conservation, physicochemical variation, residue mobility, and thermodynamic stability) indicates that this missense variant is expected to disrupt ACO2 protein function with a positive predictive value of 80%. In summary, the available evidence is currently insufficient to determine the role of this variant in disease. Therefore, it has been classified as a Variant of Uncertain Significance.